The following is an entry in ClinVar:

ClinVar aggregate classification (germline): Likely benign. Review status: criteria provided, multiple submitters, no conflicts (2 of 4 stars). 2 submissions from 2 submitters: Likely benign (2). Last evaluated 2026-01-28.

Conditions:
Nephronophthisis 15 (NPHP15). Identifiers: Orphanet 3156, MedGen C3541853, MONDO:0013917, OMIM 614845.
CEP164-related disorder. Also called: CEP164-related condition.

Allele frequency attached by ClinVar (database versions not stated): ExAC 0.00002; gnomAD 0.00002; TOPMed 0.00004.
gnomAD v4.1: 8 of 1,613,480 alleles (0.0005%); highest among the groups gnomAD compares: African/African-American, 0.011%; no homozygotes.

Submissions (2):

Labcorp Genetics (formerly Invitae), Labcorp
Classification: Likely benign for Nephronophthisis 15. Last evaluated: 2026-01-28. Review status: criteria provided, single submitter. Criteria: Invitae Variant Classification Sherloc (09022015). Collection method: clinical testing. Allele origin: germline.

PreventionGenetics, part of Exact Sciences
Classification: Likely benign for CEP164-related condition. Last evaluated: 2025-07-11. Review status: criteria provided, single submitter. Criteria: ACMG Guidelines, 2015. Collection method: clinical testing. Allele origin: germline.
Comment: This variant is classified as likely benign based on ACMG/AMP sequence variant interpretation guidelines (Richards et al. 2015 PMID: 25741868, with internal and published modifications).

NM_014956.5(CEP164):c.2367C>G (p.Val789=)

Gene: CEP164 (centrosomal protein 164; plus strand). Cytogenetic location: 11q23.3.
Variant type: single nucleotide variant.
Coding change: c.2367C>G on transcript NM_014956.5 (MANE Select); coding-DNA position 2367, C replaced by G.
Protein change: p.Val789=; no amino-acid change (valine 789 retained).
Molecular consequence: synonymous variant.
Genome position (GRCh38, 1-based): chr11:117,392,501, C>G. VCF-style: chr11-117392501-C-G. GRCh37 (hg19) VCF-style: chr11-117263217-C-G.
Other names: c.2376C>G, p.Val792= (NM_001271933.2); c.2367C>G (NM_014956.4).
Identifiers: ClinVar variation 1144352 (VCV001144352.10), dbSNP rs747171653, ClinGen allele CA6295055.